The following is an entry in ClinVar:

NM_006563.5(KLF1):c.331G>A (p.Glu111Lys)

Gene: KLF1 (KLF transcription factor 1; minus strand). Cytogenetic location: 19p13.13.
Variant type: single nucleotide variant.
Coding change: c.331G>A on transcript NM_006563.5 (MANE Select); coding-DNA position 331, G replaced by A.
Protein change: p.Glu111Lys; replaces glutamic acid 111 with lysine.
Molecular consequence: missense variant.
Genome position (GRCh38, 1-based): chr19:12,885,899, C>T on the plus strand (G>A on the coding strand, the complement: KLF1 is on the minus strand). VCF-style: chr19-12885899-C-T. GRCh37 (hg19) VCF-style: chr19-12996713-C-T.
Other names: short protein forms E111K.
Identifiers: ClinVar variation 1991304 (VCV001991304.4), dbSNP rs750181381, ClinGen allele CA9234052.

ClinVar aggregate classification (germline): Uncertain significance (1 of 4 stars; one submission).

Allele frequency attached by ClinVar (database versions not stated): gnomAD exomes 0.00001; ExAC 0.00015.
gnomAD v4.1: 15 of 1,551,376 alleles (0.00097%); highest among the groups gnomAD compares: South Asian, 0.018%; no homozygotes.

Submission:

Labcorp Genetics (formerly Invitae), Labcorp
Classification: Uncertain significance. Last evaluated: 2022-09-07. Review status: criteria provided, single submitter. Criteria: Invitae Variant Classification Sherloc (09022015). Collection method: clinical testing. Allele origin: germline.
Comment: In summary, the available evidence is currently insufficient to determine the role of this variant in disease. Therefore, it has been classified as a Variant of Uncertain Significance. Algorithms developed to predict the effect of missense changes on protein structure and function are either unavailable or do not agree on the potential impact of this missense change (SIFT: "Not Available"; PolyPhen-2: "Benign"; Align-GVGD: "Not Available"). This variant has not been reported in the literature in individuals affected with KLF1-related conditions. This variant is present in population databases (rs750181381, gnomAD 0.009%). This sequence change replaces glutamic acid, which is acidic and polar, with lysine, which is basic and polar, at codon 111 of the KLF1 protein (p.Glu111Lys).